The following is an entry in ClinVar:

ClinVar aggregate classification (germline): Likely pathogenic (1 of 4 stars; one submission).

Conditions:
Hyper-IgE recurrent infection syndrome 3, autosomal recessive. Also called: Autosomal recessive hyper-IgE syndrome due to ZNF341 deficiency; HYPER-IgE SYNDROME 3, AUTOSOMAL RECESSIVE, WITH RECURRENT INFECTIONS. Identifiers: Orphanet 641368, MedGen C4748969, MONDO:0032654, OMIM 618282.

Submission:

Labcorp Genetics (formerly Invitae), Labcorp
Classification: Likely pathogenic for Combined immunodeficiency due to DOCK8 deficiency. Last evaluated: 2020-06-02. Review status: criteria provided, single submitter. Criteria: Invitae Variant Classification Sherloc (09022015). Collection method: clinical testing. Allele origin: germline.
Comment: In summary, the currently available evidence indicates that the variant is pathogenic, but additional data are needed to prove that conclusively. Therefore, this variant has been classified as Likely Pathogenic. Loss-of-function variants in DOCK8 are known to be pathogenic (PMID: 14722525, 19776401). This variant has not been reported in the literature in individuals with DOCK8-related conditions. This variant results in a copy number gain of the genomic region encompassing exon(s) 8-22 of the DOCK8 gene. While the exact position of this variant cannot be determined from the data, sub-genic copy number gains are generally in tandem (PMID: 25640679). This variant is predicted to be out-of-frame, and may result in an absent or disrupted protein product.

Literature cited by the submitters: PubMed 14722525; PubMed 19776401; PubMed 25640679.

NC_000009.11:g.(?_325651)_(382705_?)dup

Gene: DOCK8 (dedicator of cytokinesis 8; plus strand). Cytogenetic location: 9p24.3.
Variant type: Duplication.
Identifiers: ClinVar variation 1068091 (VCV001068091.9).